The following is an entry in ClinVar:

ClinVar aggregate classification (germline): Pathogenic. Review status: criteria provided, multiple submitters, no conflicts (2 of 4 stars). 7 submissions from 7 submitters: Pathogenic (6). 1 of the submissions does not count toward it. Last evaluated 2025-09-16.

Conditions:
Congenital lipoid adrenal hyperplasia due to STAR deficency. Also called: Congenital Lipoid Adrenal Hyperplasia; Cholesterol monooxygenase (side-chain cleaving) deficiency; Lipoid adrenal hyperplasia; ADRENAL HYPERPLASIA I. Identifiers: Orphanet 418, Orphanet 90790, MedGen C0342474, MONDO:0008725, OMIM 201710.

Submissions (7):

Natera, Inc.
Classification: Pathogenic for Congenital lipoid adrenal hyperplasia. Last evaluated: 2025-09-16. Review status: criteria provided, single submitter. Criteria: Natera Variant Classification Schema (03/2026). Collection method: clinical testing. Allele origin: germline.
Comment: The c.201_202delCT variant in STAR is a frameshift variant predicted to shift the reading frame beginning at codon 68 and leads to a stop codon 2 codons downstream. This variant is expected to result in nonsense mediated decay, truncation, or a dysfunctional protein product. This variant is rare in the general population with a frequency below the threshold expected for the associated phenotype(s). This variant has been observed in one or more individuals affected with the associated recessive disease, as either homozygous or compound heterozygous with a second variant (PMID: 17666473). Given the available evidence, this variant is classified as Pathogenic.

Fulgent Genetics
Classification: Pathogenic for Congenital lipoid adrenal hyperplasia due to STAR deficency. Last evaluated: 2024-02-18. Review status: criteria provided, single submitter. Criteria: ACMG Guidelines, 2015. Collection method: clinical testing. Allele origin: germline.

Labcorp Genetics (formerly Invitae), Labcorp
Classification: Pathogenic. Last evaluated: 2023-07-31. Review status: criteria provided, single submitter. Criteria: Invitae Variant Classification Sherloc (09022015). Collection method: clinical testing. Allele origin: germline.
Comment: For these reasons, this variant has been classified as Pathogenic. ClinVar contains an entry for this variant (Variation ID: 586680). This premature translational stop signal has been observed in individual(s) with congenital lipoid adrenal hyperplasia (PMID: 17666473, 18058976). This variant is not present in population databases (gnomAD no frequency). This sequence change creates a premature translational stop signal (p.Tyr68Glnfs*2) in the STAR gene. It is expected to result in an absent or disrupted protein product. Loss-of-function variants in STAR are known to be pathogenic (PMID: 8948562).

CeGaT Center for Human Genetics Tuebingen
Classification: Pathogenic. Last evaluated: 2020-10-01. Review status: criteria provided, single submitter. Criteria: CeGaT Center For Human Genetics Tuebingen Variant Classification Criteria Version 2. Collection method: clinical testing. Allele origin: germline. Affected: yes. Observed: 3 variant alleles.

Revvity Omics, Revvity
Classification: Pathogenic for Congenital lipoid adrenal hyperplasia due to STAR deficency. Last evaluated: 2020-09-09. Review status: criteria provided, single submitter. Criteria: ACMG Guidelines, 2015. Collection method: clinical testing. Allele origin: germline.

Athena Diagnostics
Classification: Pathogenic. Last evaluated: 2018-07-24. Review status: criteria provided, single submitter. Criteria: Athena Diagnostics Criteria. Collection method: clinical testing. Allele origin: germline.

OMIM
Classification: Pathogenic for LIPOID CONGENITAL ADRENAL HYPERPLASIA. Last evaluated: 2007-10-01. Review status: no assertion criteria provided. Collection method: literature only. Allele origin: germline. Not counted in ClinVar's aggregate classification.

Literature cited by the submitters: PubMed 17666473 (cited by 4 submitters); PubMed 18058976 (cited by Labcorp Genetics (formerly Invitae), Labcorp and Athena Diagnostics); PubMed 8948562 (cited by Labcorp Genetics (formerly Invitae), Labcorp); PubMed 21846663 (cited by Athena Diagnostics); PubMed 26827627 (cited by Athena Diagnostics); PubMed 28467518 (cited by Athena Diagnostics); PubMed 16118340 (cited by OMIM).

NM_000349.3(STAR):c.201_202del (p.Tyr68fs)

Gene: STAR (steroidogenic acute regulatory protein; minus strand). Cytogenetic location: 8p11.23.
Variant type: Microsatellite.
Coding change: c.201_202del on transcript NM_000349.3 (MANE Select); coding-DNA positions 201 to 202, 2 bases deleted (CT; older notation c.201_202delCT).
Protein change: p.Tyr68fs; shifts the reading frame from tyrosine 68.
Molecular consequence: frameshift variant.
Genome position (GRCh38, 1-based): chr8:38,148,304-38,148,305, AG deleted on the plus strand (CT on the coding strand, the reverse complement: STAR is on the minus strand); deleting any 2 consecutive bases within chr8:38,148,304-38,148,309 gives the same sequence; the c. name uses the placement nearest the transcript's 3' end. VCF-style (leftmost placement, unchanged base first): chr8-38148303-TAG-T. GRCh37 (hg19) VCF-style: chr8-38005821-TAG-T.
Other names: c.201_202delCT (NM_000349.2); short protein forms Y68fs.
Identifiers: ClinVar variation 586680 (VCV000586680.53), dbSNP rs1563268652, ClinGen allele CA891842630.
Genomic context (GRCh38, chr8:38,148,303, plus strand): 5'-CCCAAGGCCTTCTGCATGGCCTCCTCCCCCTGCTGGAGATAGGCCAGCTCCTGGTCACTG[TAG>T]AGAGTCTCTTCCAGCCGAGAACCTGGATACACAGCCGAGGAGAGACAGAGCTTCCTTCTT-3'